The following is an entry in ClinVar:

ClinVar aggregate classification (germline): Uncertain significance (0 of 4 stars; one submission).

Submission:

Department of Pathology and Laboratory Medicine, Sinai Health System
Classification: Uncertain significance. Review status: no assertion criteria provided. Collection method: clinical testing. Allele origin: unknown. Affected: yes. Study: The Canadian Open Genetics Repository (COGR).
Comment: The POLR1A p.Gly457Val variant was not identified in the literature nor was it identified in dbSNP, ClinVar or in the following control databases: the 1000 Genomes Project, the NHLBI GO Exome Sequencing Project, or the Genome Aggregation Database (March 6, 2019, v2.1.1). The p.Gly457 residue is conserved in mammals but not in more distantly related organisms, and four out of five computational analyses (PolyPhen-2, SIFT, AlignGVGD, BLOSUM, MutationTaster) suggest that the variant may impact the protein; however, this information is not predictive enough to assume pathogenicity. The variant occurs outside of the splicing consensus sequence and in silico or computational prediction software programs (SpliceSiteFinder, MaxEntScan, NNSPLICE, GeneSplicer) do not predict a difference in splicing. In summary, based on the above information the clinical significance of this variant cannot be determined with certainty at this time. This variant is classified as a variant of uncertain significance.

NM_015425.6(POLR1A):c.1370G>T (p.Gly457Val)

Gene: POLR1A (RNA polymerase I subunit A; minus strand). Cytogenetic location: 2p11.2.
Variant type: single nucleotide variant.
Coding change: c.1370G>T on transcript NM_015425.6 (MANE Select); coding-DNA position 1370, G replaced by T.
Protein change: p.Gly457Val; replaces glycine 457 with valine.
Molecular consequence: missense variant.
Genome position (GRCh38, 1-based): chr2:86,077,869, C>A on the plus strand (G>T on the coding strand, the complement: POLR1A is on the minus strand). VCF-style: chr2-86077869-C-A. GRCh37 (hg19) VCF-style: chr2-86304992-C-A.
Other names: short protein forms G457V.
Identifiers: ClinVar variation 1049963 (VCV001049963.1), dbSNP rs2104419422, ClinGen allele CA347551760.